The following is an entry in ClinVar:

NM_001013620.4(ALG10B):c.377C>G (p.Ser126Ter)

Gene: ALG10B (ALG10 alpha-1,2-glucosyltransferase B; plus strand). Cytogenetic location: 12q12.
Variant type: single nucleotide variant.
Coding change: c.377C>G on transcript NM_001013620.4 (MANE Select); coding-DNA position 377, C replaced by G.
Protein change: p.Ser126Ter; replaces serine 126 with a stop codon.
Molecular consequence: nonsense. On other transcripts: intron variant (1).
Genome position (GRCh38, 1-based): chr12:38,320,168, C>G. VCF-style: chr12-38320168-C-G. GRCh37 (hg19) VCF-style: chr12-38713970-C-G.
Other names: c.369+1710C>G (NM_001308340.2); short protein forms S126*.
Identifiers: ClinVar variation 1050401 (VCV001050401.1), dbSNP rs148982342, ClinGen allele CA6509215.

ClinVar aggregate classification (germline): Uncertain significance (0 of 4 stars; one submission).

Allele frequency attached by ClinVar (database versions not stated): TOPMed 0.00008; gnomAD exomes 0.00012 and 0.00018; gnomAD 0.00013 and 0.00016; ExAC 0.00026; ESP Exome Variant Server 0.00038.
gnomAD v4.1: 187 of 1,613,876 alleles (0.012%); highest among the groups gnomAD compares: Non-Finnish European, 0.016%; no homozygotes.

Submission:

Department of Pathology and Laboratory Medicine, Sinai Health System
Classification: Uncertain significance. Review status: no assertion criteria provided. Collection method: clinical testing. Allele origin: unknown. Affected: yes. Study: The Canadian Open Genetics Repository (COGR).
Comment: The ALG10B p.Ser126* variant was not identified in the literature nor was it identified in ClinVar, Cosmic or LOVD 3.0. The variant was identified in dbSNP (ID: rs148982342) and in control databases in 54 of 282474 chromosomes (0 homozygous) at a frequency of 0.000191 (Genome Aggregation Database March 6, 2019, v2.1.1). The variant was observed in the following populations: European (non-Finnish) in 52 of 128924 chromosomes (freq: 0.000403), Other in 1 of 7202 chromosomes (freq: 0.000139) and African in 1 of 24906 chromosomes (freq: 0.00004), but was not observed in the Latino, Ashkenazi Jewish, East Asian, European (Finnish), and South Asian populations. The p.Ser126* residue is not conserved in mammals however computational analyses were unable to predict the potential impact to the protein. The variant occurs outside of the splicing consensus sequence and in silico or computational prediction software programs (SpliceSiteFinder, MaxEntScan, NNSPLICE, GeneSplicer) do not predict a difference in splicing. The c.377C>G variant leads to a premature stop codon at position 126 which is predicted to lead to a truncated or absent protein and loss of function. Loss of function variant in the ALG10B gene are not a known mechanism of disease. In summary, based on the above information the clinical significance of this variant cannot be determined with certainty at this time. This variant is classified as a variant of uncertain significance.